The following is an entry in ClinVar:

NM_001303256.3(MORC2):c.916G>A (p.Ala306Thr)

Gene: MORC2 (MORC family CW-type zinc finger 2; minus strand). Cytogenetic location: 22q12.2.
Variant type: single nucleotide variant.
Coding change: c.916G>A on transcript NM_001303256.3 (MANE Select); coding-DNA position 916, G replaced by A.
Protein change: p.Ala306Thr; replaces alanine 306 with threonine.
Molecular consequence: missense variant.
Genome position (GRCh38, 1-based): chr22:30,940,030, C>T on the plus strand (G>A on the coding strand, the complement: MORC2 is on the minus strand). VCF-style: chr22-30940030-C-T. GRCh37 (hg19) VCF-style: chr22-31336017-C-T.
Other names: c.916G>A, p.Ala306Thr (NM_001303257.2); c.730G>A, p.Ala244Thr (NM_014941.3); short protein forms A244T, A306T.
Identifiers: ClinVar variation 1397123 (VCV001397123.8), dbSNP rs1320772373, ClinGen allele CA411240457.

ClinVar aggregate classification (germline): Uncertain significance (1 of 4 stars; one submission).

Conditions:
Charcot-Marie-Tooth disease axonal type 2Z. Also called: CHARCOT-MARIE-TOOTH DISEASE, AXONAL, AUTOSOMAL DOMINANT, TYPE 2Z; CHARCOT-MARIE-TOOTH NEUROPATHY, TYPE 2Z. Identifiers: Orphanet 466768, MedGen C5569025, MONDO:0014736, OMIM 616688.

gnomAD v4.1: 1 of 1,613,702 alleles (0.000062%); highest among the groups gnomAD compares: Non-Finnish European, 0.000085%; no homozygotes.

Submission:

Labcorp Genetics (formerly Invitae), Labcorp
Classification: Uncertain significance for Charcot-Marie-Tooth disease axonal type 2Z. Last evaluated: 2022-02-02. Review status: criteria provided, single submitter. Criteria: Invitae Variant Classification Sherloc (09022015). Collection method: clinical testing. Allele origin: germline.
Comment: This variant is not present in population databases (gnomAD no frequency). In summary, the available evidence is currently insufficient to determine the role of this variant in disease. Therefore, it has been classified as a Variant of Uncertain Significance. Advanced modeling of protein sequence and biophysical properties (such as structural, functional, and spatial information, amino acid conservation, physicochemical variation, residue mobility, and thermodynamic stability) performed at Invitae indicates that this missense variant is expected to disrupt MORC2 protein function. This variant has not been reported in the literature in individuals affected with MORC2-related conditions. This sequence change replaces alanine, which is neutral and non-polar, with threonine, which is neutral and polar, at codon 306 of the MORC2 protein (p.Ala306Thr).